The following is an entry in ClinVar:

NM_032119.4(ADGRV1):c.8087T>C (p.Leu2696Ser)

Gene: ADGRV1 (adhesion G protein-coupled receptor V1; plus strand). Cytogenetic location: 5q14.3.
Variant type: single nucleotide variant.
Coding change: c.8087T>C on transcript NM_032119.4 (MANE Select); coding-DNA position 8087, T replaced by C.
Protein change: p.Leu2696Ser; replaces leucine 2696 with serine.
Molecular consequence: missense variant. On other transcripts: non-coding transcript variant (1).
Genome position (GRCh38, 1-based): chr5:90,697,078, T>C. VCF-style: chr5-90697078-T-C. GRCh37 (hg19) VCF-style: chr5-89992895-T-C.
Other names: c.8087T>C (NM_032119.3); short protein forms L2696S.
Identifiers: ClinVar variation 1521856 (VCV001521856.4), dbSNP rs751876337, ClinGen allele CA3340159.

ClinVar aggregate classification (germline): Uncertain significance. Review status: criteria provided, multiple submitters, no conflicts (2 of 4 stars). 2 submissions from 2 submitters: Uncertain significance (2). Last evaluated 2023-02-28.

Conditions:
Inborn genetic diseases. Identifiers: MedGen C0950123, MeSH D030342.

Allele frequency attached by ClinVar (database versions not stated): gnomAD exomes below 0.00001 and 0.00001; ExAC 0.00001; gnomAD 0.00001; TOPMed 0.00001.
gnomAD v4.1: 6 of 1,613,404 alleles (0.00037%); highest among the groups gnomAD compares: Non-Finnish European, 0.00051%; no homozygotes.

Submissions (2):

Ambry Genetics
Classification: Uncertain significance for Inborn genetic diseases. Last evaluated: 2023-02-28. Review status: criteria provided, single submitter. Criteria: Ambry Variant Classification Scheme 2023. Collection method: clinical testing. Allele origin: germline.

Labcorp Genetics (formerly Invitae), Labcorp
Classification: Uncertain significance. Last evaluated: 2022-09-19. Review status: criteria provided, single submitter. Criteria: Invitae Variant Classification Sherloc (09022015). Collection method: clinical testing. Allele origin: germline.
Comment: This sequence change replaces leucine, which is neutral and non-polar, with serine, which is neutral and polar, at codon 2696 of the ADGRV1 protein (p.Leu2696Ser). This variant is present in population databases (rs751876337, gnomAD 0.002%). This variant has not been reported in the literature in individuals affected with ADGRV1-related conditions. ClinVar contains an entry for this variant (Variation ID: 1521856). Advanced modeling of protein sequence and biophysical properties (such as structural, functional, and spatial information, amino acid conservation, physicochemical variation, residue mobility, and thermodynamic stability) performed at Invitae indicates that this missense variant is not expected to disrupt ADGRV1 protein function. In summary, the available evidence is currently insufficient to determine the role of this variant in disease. Therefore, it has been classified as a Variant of Uncertain Significance.